The following is an entry in ClinVar:

ClinVar aggregate classification (germline): Uncertain significance. Review status: criteria provided, multiple submitters, no conflicts (2 of 4 stars). 2 submissions from 2 submitters: Uncertain significance (2). Last evaluated 2023-11-20.

Conditions:
Cardiomyopathy (CMYO). Also called: Cardiomyopathies. Identifiers: Orphanet 167848, MedGen C0878544, MONDO:0004994, HP:0001638. Inheritance: Various modes of inheritance.
Catecholaminergic polymorphic ventricular tachycardia (CVPT). Also called: Catecholamine-induced polymorphic ventricular tachycardia. Identifiers: Orphanet 3286, MedGen C5574922, MONDO:0017990.

Allele frequency attached by ClinVar (database versions not stated): gnomAD exomes below 0.00001.
gnomAD v4.1: 2 of 1,602,376 alleles (0.00012%); highest among the groups gnomAD compares: Non-Finnish European, 0.00017%; no homozygotes.

Submissions (2):

All of Us Research Program, National Institutes of Health
Classification: Uncertain significance for Catecholaminergic polymorphic ventricular tachycardia. Last evaluated: 2023-11-20. Review status: criteria provided, single submitter. Criteria: ACMG Guidelines, 2015. Collection method: clinical testing. Allele origin: germline. Inheritance: Autosomal dominant inheritance. Observed: 1 variant allele, 1 heterozygote.
Comment: This missense variant replaces leucine with glutamine at codon 565 of the RYR2 protein. Computational prediction suggests that this variant may have deleterious impact on protein structure and function (internally defined REVEL score threshold >= 0.7, PMID: 27666373). To our knowledge, functional studies have not been reported for this variant. This variant has not been reported in individuals affected with RYR2-related disorders in the literature. This variant has not been identified in the general population by the Genome Aggregation Database (gnomAD). The available evidence is insufficient to determine the role of this variant in disease conclusively. Therefore, this variant is classified as a Variant of Uncertain Significance.

This study involves interpretation of variants in research participants for the purpose of population health screening. Participant phenotype was not available at the time of variant classification. Additional details can be found in publication PMID: 35346344, PMCID: PMC8962531

Color Diagnostics, LLC DBA Color Health
Classification: Uncertain significance for Cardiomyopathy. Last evaluated: 2023-10-25. Review status: criteria provided, single submitter. Criteria: ACMG Guidelines, 2015. Collection method: clinical testing. Allele origin: germline.
Comment: This missense variant replaces leucine with glutamine at codon 565 of the RYR2 protein. Computational prediction suggests that this variant may have deleterious impact on protein structure and function (internally defined REVEL score threshold >= 0.7, PMID: 27666373). To our knowledge, functional studies have not been reported for this variant. This variant has not been reported in individuals affected with RYR2-related disorders in the literature. This variant has not been identified in the general population by the Genome Aggregation Database (gnomAD). The available evidence is insufficient to determine the role of this variant in disease conclusively. Therefore, this variant is classified as a Variant of Uncertain Significance.

NM_001035.3(RYR2):c.1694T>A (p.Leu565Gln)

Gene: RYR2 (ryanodine receptor 2; plus strand). Cytogenetic location: 1q43.
Variant type: single nucleotide variant.
Coding change: c.1694T>A on transcript NM_001035.3 (MANE Select); coding-DNA position 1694, T replaced by A.
Protein change: p.Leu565Gln; replaces leucine 565 with glutamine.
Molecular consequence: missense variant.
Genome position (GRCh38, 1-based): chr1:237,469,173, T>A. VCF-style: chr1-237469173-T-A. GRCh37 (hg19) VCF-style: chr1-237632473-T-A.
Other names: short protein forms L565Q.
Identifiers: ClinVar variation 2774249 (VCV002774249.3), dbSNP rs1660409512, ClinGen allele CA345384039.